The following is an entry in ClinVar:

NM_003179.3(SYP):c.398G>A (p.Arg133Gln)

Gene: SYP (synaptophysin; minus strand). Cytogenetic location: Xp11.23.
Variant type: single nucleotide variant.
Coding change: c.398G>A on transcript NM_003179.3 (MANE Select); coding-DNA position 398, G replaced by A.
Protein change: p.Arg133Gln; replaces arginine 133 with glutamine.
Molecular consequence: missense variant.
Genome position (GRCh38, 1-based): chrX:49,194,191, C>T on the plus strand (G>A on the coding strand, the complement: SYP is on the minus strand). VCF-style: chrX-49194191-C-T. GRCh37 (hg19) VCF-style: chrX-49050648-C-T.
Other names: short protein forms R133Q.
Identifiers: ClinVar variation 590246 (VCV000590246.3), dbSNP rs782047632, ClinGen allele CA10409791.
Genomic context (GRCh38, chrX:49,194,191, plus strand): 5'-ATGGTCCCTACATGCAAGTGGCTGTGGGGACTCACCAGCATGGGCCCTTTGTTATTCTCT[C>T]GGTACTTGTTCTGCAGGAAGATGTAGGTGGCCAGAGCCCCCATGGAGTAGAGGAAGGCAA-3'
Protein context (NP_003170.1, residues 123-143): ATYIFLQNKY[Arg133Gln]ENNKGPMLDF

ClinVar aggregate classification (germline): Likely benign (1 of 4 stars; one submission).

Conditions:
History of neurodevelopmental disorder. Identifiers: MedGen C2711754.

Allele frequency attached by ClinVar (database versions not stated): ExAC 0.00001; gnomAD 0.00002; gnomAD exomes 0.00002 and 0.00003; TOPMed 0.00002.
gnomAD v4.1: 38 of 1,209,235 alleles (0.0031%); highest among the groups gnomAD compares: African/African-American, 0.0088%; no homozygotes.

Submission:

Ambry Genetics
Classification: Likely benign for History of neurodevelopmental disorder. Last evaluated: 2013-06-05. Review status: criteria provided, single submitter. Criteria: Ambry Autosomal Dominant and X-Linked criteria (10/2015). Collection method: clinical testing. Allele origin: germline. Observed: 1 variant allele.
Comment: Co-occurence with a mutation in another gene that clearly explains a proband's phenotype;In silico models in agreement (benign)